The following is an entry in ClinVar:

NM_152564.5(VPS13B):c.10195G>T (p.Ala3399Ser)

Gene: VPS13B (vacuolar protein sorting 13 homolog B; plus strand). Cytogenetic location: 8q22.2.
Variant type: single nucleotide variant.
Coding change: c.10195G>T on transcript NM_152564.5 (MANE Select); coding-DNA position 10195, G replaced by T.
Protein change: p.Ala3399Ser; replaces alanine 3399 with serine.
Molecular consequence: missense variant.
Genome position (GRCh38, 1-based): chr8:99,853,584, G>T. VCF-style: chr8-99853584-G-T. GRCh37 (hg19) VCF-style: chr8-100865812-G-T.
Other names: c.10270G>T, p.Ala3424Ser (NM_017890.5); short protein forms A3399S, A3424S.
Identifiers: ClinVar variation 4987276 (VCV004987276.1).

ClinVar aggregate classification (germline): Uncertain significance (1 of 4 stars; one submission).

Conditions:
VPS13B-related disorder. Also called: VPS13B-related condition.

gnomAD v4.1: 3 of 1,614,022 alleles (0.00019%); highest among the groups gnomAD compares: African/African-American, 0.0027%; no homozygotes.

Submission:

PreventionGenetics, part of Exact Sciences
Classification: Uncertain significance for VPS13B-related condition. Last evaluated: 2025-07-29. Review status: criteria provided, single submitter. Criteria: ACMG Guidelines, 2015. Collection method: clinical testing. Allele origin: germline.
Comment: The VPS13B c.10195G>T variant is predicted to result in the amino acid substitution p.Ala3399Ser. To our knowledge, this variant has not been reported in the literature. This variant is reported in 0.0062% of alleles in individuals of African descent in gnomAD. At this time, the clinical significance of this variant is uncertain due to the absence of conclusive functional and genetic evidence.